The following is an entry in ClinVar:

NM_001903.5(CTNNA1):c.2212A>C (p.Asn738His)

Gene: CTNNA1 (catenin alpha 1; plus strand). Cytogenetic location: 5q31.2.
Variant type: single nucleotide variant.
Coding change: c.2212A>C on transcript NM_001903.5 (MANE Select); coding-DNA position 2212, A replaced by C.
Protein change: p.Asn738His; replaces asparagine 738 with histidine.
Molecular consequence: missense variant.
Genome position (GRCh38, 1-based): chr5:138,930,849, A>C. VCF-style: chr5-138930849-A-C. GRCh37 (hg19) VCF-style: chr5-138266538-A-C.
Other names: c.2212A>C, p.Asn738His (NM_001290307.3, NM_001323982.2, NM_001323983.1 and 2 more transcripts); c.1903A>C, p.Asn635His (NM_001290309.3); c.1843A>C, p.Asn615His (NM_001290310.3); c.1102A>C, p.Asn368His (NM_001290312.1, NM_001323987.1, NM_001323988.1 and 17 more transcripts); c.2119A>C, p.Asn707His (NM_001323986.2); c.763A>C, p.Asn255His (NM_001324006.1, NM_001324007.1, NM_001324008.1 and 2 more transcripts); c.1009A>C, p.Asn337His (NM_001324011.1); c.859A>C, p.Asn287His (NM_001324012.1, NM_001324013.1); short protein forms N255H, N287H, N337H, N368H, N615H, N635H, N707H, N738H.
Identifiers: ClinVar variation 1059574 (VCV001059574.9), dbSNP rs2150336954, ClinGen allele CA361133786.
Genomic context (GRCh38, chr5:138,930,849, plus strand): 5'-GCTTCACATACAATAATCCTTGTTCTCTTCCCTCTTCTCAGAGGTAAAGGACCACTCAAA[A>C]ATACATCGGATGTCATCAGTGCTGCCAAGAAAATTGCTGAGGCAGGATCCAGGATGGACA-3'
Protein context (NP_001894.2, residues 728-748): DFTRGKGPLK[Asn738His]TSDVISAAKK

ClinVar aggregate classification (germline): Uncertain significance (1 of 4 stars; one submission).

Submission:

Labcorp Genetics (formerly Invitae), Labcorp
Classification: Uncertain significance. Last evaluated: 2020-09-09. Review status: criteria provided, single submitter. Criteria: Invitae Variant Classification Sherloc (09022015). Collection method: clinical testing. Allele origin: germline.
Comment: Algorithms developed to predict the effect of missense changes on protein structure and function are either unavailable or do not agree on the potential impact of this missense change (SIFT: "Deleterious"; PolyPhen-2: "Benign"; Align-GVGD: "Class C0"). In summary, the available evidence is currently insufficient to determine the role of this variant in disease. Therefore, it has been classified as a Variant of Uncertain Significance. This variant has not been reported in the literature in individuals with CTNNA1-related conditions. This sequence change replaces asparagine with histidine at codon 738 of the CTNNA1 protein (p.Asn738His). The asparagine residue is highly conserved and there is a small physicochemical difference between asparagine and histidine. This variant is not present in population databases (ExAC no frequency).